The following is an entry in ClinVar:

NM_001365902.3(NFIX):c.1213C>T (p.Gln405Ter)

Gene: NFIX (nuclear factor I X; plus strand). Cytogenetic location: 19p13.13.
Variant type: single nucleotide variant.
Coding change: c.1213C>T on transcript NM_001365902.3 (MANE Select); coding-DNA position 1213, C replaced by T.
Protein change: p.Gln405Ter; replaces glutamine 405 with a stop codon.
Molecular consequence: nonsense.
Genome position (GRCh38, 1-based): chr19:13,081,814, C>T. VCF-style: chr19-13081814-C-T. GRCh37 (hg19) VCF-style: chr19-13192628-C-T.
Other names: c.1237C>T, p.Gln413Ter (NM_001271043.2); c.1189C>T, p.Gln397Ter (NM_001271044.3, NM_001378404.1); c.1090C>T, p.Gln364Ter (NM_001365982.2); c.1072C>T, p.Gln358Ter (NM_001365983.2); c.1210C>T, p.Gln404Ter (NM_001365984.2, NM_001365985.2); c.1261C>T, p.Gln421Ter (NM_001378405.1); c.1066C>T, p.Gln356Ter (NM_001440616.1, NM_001440617.1); c.1213C>T, p.Gln405Ter (NM_002501.4); short protein forms Q356*, Q358*, Q364*, Q397*, Q404*, Q405*, Q413*, Q421*.
Identifiers: ClinVar variation 4531706 (VCV004531706.1).

ClinVar aggregate classification (germline): Pathogenic (1 of 4 stars; one submission).

Conditions:
Malan overgrowth syndrome (MALNS). Also called: MALAN SYNDROME; Sotos syndrome 2; NFIX-Related Malan Syndrome. Identifiers: Orphanet 420179, MedGen C3553660, MONDO:0013885, OMIM 614753.

Submission:

Victorian Clinical Genetics Services, Murdoch Childrens Research Institute
Classification: Pathogenic for Malan overgrowth syndrome. Last evaluated: 2025-05-08. Review status: criteria provided, single submitter. Criteria: ACMG Guidelines, 2015. Collection method: clinical testing. Allele origin: germline. Affected: yes.
Comment: This variant is classified as Pathogenic. Evidence in support of pathogenic classification: Variant is predicted to cause nonsense-mediated decay (NMD) and loss of protein (premature termination codon is located at least 54 nucleotides upstream of the final exon-exon junction); Variant is absent from gnomAD (v2, v3 and v4); Other NMD-predicted variants comparable to the one identified in this case have very strong previous evidence for pathogenicity (DECIPHER). Additional information: This variant is heterozygous; This gene is associated with autosomal dominant disease; Loss of function is a known mechanism of disease in this gene and is associated with Malan syndrome (MIM#614753). Dominant negative is a suspected mechanism of disease for Marshall-Smith syndrome (MIM#602535) (PMID: 24924640).

Literature cited by the submitters: PubMed 24924640.